The following is an entry in ClinVar:

ClinVar aggregate classification (germline): Uncertain significance (1 of 4 stars; one submission).

Conditions:
Perlman syndrome (PRLMNS). Identifiers: Orphanet 2849, MedGen C0796113, MONDO:0009965, OMIM 267000.

Submission:

Labcorp Genetics (formerly Invitae), Labcorp
Classification: Uncertain significance for Perlman syndrome. Last evaluated: 2020-08-15. Review status: criteria provided, single submitter. Criteria: Invitae Variant Classification Sherloc (09022015). Collection method: clinical testing. Allele origin: germline.
Comment: This variant is not present in population databases (ExAC no frequency). In summary, the available evidence is currently insufficient to determine the role of this variant in disease. Therefore, it has been classified as a Variant of Uncertain Significance. Algorithms developed to predict the effect of missense changes on protein structure and function (SIFT, PolyPhen-2, Align-GVGD) all suggest that this variant is likely to be tolerated, but these predictions have not been confirmed by published functional studies and their clinical significance is uncertain. This variant has not been reported in the literature in individuals with DIS3L2-related conditions. This sequence change replaces threonine with serine at codon 662 of the DIS3L2 protein (p.Thr662Ser). The threonine residue is moderately conserved and there is a small physicochemical difference between threonine and serine.

NM_152383.5(DIS3L2):c.1984A>T (p.Thr662Ser)

Gene: DIS3L2 (DIS3 like 3'-5' exoribonuclease 2; plus strand). Cytogenetic location: 2q37.1.
Variant type: single nucleotide variant.
Coding change: c.1984A>T on transcript NM_152383.5 (MANE Select); coding-DNA position 1984, A replaced by T.
Protein change: p.Thr662Ser; replaces threonine 662 with serine.
Molecular consequence: missense variant. On other transcripts: non-coding transcript variant (2), intron variant (1).
Genome position (GRCh38, 1-based): chr2:232,330,750, A>T. VCF-style: chr2-232330750-A-T. GRCh37 (hg19) VCF-style: chr2-233195460-A-T.
Other names: c.1582-12595A>T (NM_001257281.2); short protein forms T662S.
Identifiers: ClinVar variation 1022157 (VCV001022157.8), dbSNP rs1695711631, ClinGen allele CA350976692.
Genomic context (GRCh38, chr2:232,330,750, plus strand): 5'-AAAAGCCTGACCCAAACATTTGGAGATGACAAGTACTCACTGGCCCGCAAGGAGGTGCTC[A>T]CCAACATGTGCTCCCGGCCCATGCAGGTAAGGAGGGCCCAGCCCCGGCCTCCCCTGCTCC-3'
Protein context (NP_689596.4, residues 652-672): KYSLARKEVL[Thr662Ser]NMCSRPMQMA